The following is an entry in ClinVar:

NM_001377.3(DYNC2H1):c.6099_6102dup (p.Thr2035fs)

Gene: DYNC2H1 (dynein cytoplasmic 2 heavy chain 1; plus strand). Cytogenetic location: 11q22.3.
Variant type: Duplication.
Coding change: c.6099_6102dup on transcript NM_001377.3 (MANE Select); coding-DNA positions 6099 to 6102, 4 bases duplicated (TTTG; older notation c.6099_6102dupTTTG).
Protein change: p.Thr2035fs; shifts the reading frame from threonine 2035.
Molecular consequence: frameshift variant.
Genome position (GRCh38, 1-based): chr11:103,177,780-103,177,783, TTTG duplicated. VCF-style (leftmost placement, unchanged base first): chr11-103177779-T-TTTTG. GRCh37 (hg19) VCF-style: chr11-103048508-T-TTTTG.
Other names: c.6099_6102dup, p.Thr2035fs (NM_001080463.2); short protein forms T2035fs.
Identifiers: ClinVar variation 2779944 (VCV002779944.3), dbSNP rs2496236257, ClinGen allele CA2739270931.
Genomic context (GRCh38, chr11:103,177,779, plus strand): 5'-TGCCTCGATATCAATTATTAGGCCATATTGACATGGACACAAGAGAATGGTCTGATGGTG[T>TTTTG]TTTGACAAATAGTGCTCGTCAAGTGGTTCGGGAACCTCAAGGTTAGTCTCTATGTATACT-3'

ClinVar aggregate classification (germline): Pathogenic (1 of 4 stars; one submission).

Conditions:
Jeune thoracic dystrophy. Also called: Jeune syndrome; Infantile thoracic dystrophy; Thoracic pelvic phalangeal dystrophy; Jeune's syndrome; Chondroectodermal dysplasia-like syndrome; Short-rib thoracic dysplasia. Identifiers: Orphanet 474, MedGen C0265275, MONDO:0018770.

Submission:

Labcorp Genetics (formerly Invitae), Labcorp
Classification: Pathogenic for Jeune thoracic dystrophy. Last evaluated: 2023-04-06. Review status: criteria provided, single submitter. Criteria: Invitae Variant Classification Sherloc (09022015). Collection method: clinical testing. Allele origin: germline.
Comment: This variant has not been reported in the literature in individuals affected with DYNC2H1-related conditions. For these reasons, this variant has been classified as Pathogenic. This variant is not present in population databases (gnomAD no frequency). This sequence change creates a premature translational stop signal (p.Thr2035Phefs*4) in the DYNC2H1 gene. It is expected to result in an absent or disrupted protein product. Loss-of-function variants in DYNC2H1 are known to be pathogenic (PMID: 23339108, 32753734).

Literature cited by the submitters: PubMed 23339108; PubMed 32753734.